The following is an entry in ClinVar:

ClinVar aggregate classification (germline): Uncertain significance (1 of 4 stars; one submission).

Conditions:
Lymphoproliferative syndrome 2 (LPFS2). Also called: Combined immunodeficiency due to CD27 deficiency; CD27 DEFICIENCY. Identifiers: Orphanet 238505, MedGen C3554540, MONDO:0014054, OMIM 615122.

Submission:

Labcorp Genetics (formerly Invitae), Labcorp
Classification: Uncertain significance for Lymphoproliferative syndrome 2. Last evaluated: 2020-05-13. Review status: criteria provided, single submitter. Criteria: Invitae Variant Classification Sherloc (09022015). Collection method: clinical testing. Allele origin: germline.
Comment: This variant results in a copy number gain of the genomic region encompassing the full coding sequence of the CD27 gene. The boundaries of this event are unknown as they extend beyond the assayed region for this gene and therefore may encompass additional genes. As the precise location of this event is unknown, it may be in tandem or it may be located elsewhere in the genome. This variant has not been reported in the literature in individuals with CD27-related conditions. In summary, the available evidence is currently insufficient to determine the role of this variant in disease. Therefore, it has been classified as a Variant of Uncertain Significance.

NC_000012.11:g.(?_6554242)_(6560578_?)dup

Gene: CD27 (CD27 molecule; plus strand). Cytogenetic location: 12p13.31.
Variant type: Duplication.
Identifiers: ClinVar variation 1022722 (VCV001022722.1).